The following is an entry in ClinVar:

ClinVar aggregate classification (germline): Uncertain significance. Review status: criteria provided, multiple submitters, no conflicts (2 of 4 stars). 2 submissions from 2 submitters: Uncertain significance (2). Last evaluated 2026-04-01.

Conditions:
Primary ciliary dyskinesia. Also called: Ciliary dyskinesia. Identifiers: Orphanet 244, MedGen C0008780, MONDO:0016575, HP:0012265.

Allele frequency attached by ClinVar (database versions not stated): TOPMed 0.00010; gnomAD 0.00011; ExAC 0.00012; 1000 Genomes Project 30x 0.00016; 1000 Genomes Project 0.00020.
gnomAD v4.1: 167 of 1,613,690 alleles (0.01%); highest among the groups gnomAD compares: Non-Finnish European, 0.013%; no homozygotes.

Submissions (2):

Department of Human Genetics, Hannover Medical School
Classification: Uncertain significance for Primary Ciliary Dyskinesia. Last evaluated: 2026-04-01. Review status: criteria provided, single submitter. Criteria: ACMG Guidelines, 2015. Collection method: research. Allele origin: germline. Affected: no.
Comment: Classification performed by HerediClassify using the following criteria:['PM2_supporting: Variant occures does not occur as homozygous in gnomAD.', 'PP3_protein_moderate: Variant is predicted to be pathogenic by REVEL with evidence strength moderate.', "PP4_supporting: The modified PICADAR socre of 2.0 exceeds threshold of 2 achieving 'supporting' evidence strength."]

Ambry Genetics
Classification: Uncertain significance. Last evaluated: 2025-08-12. Review status: criteria provided, single submitter. Criteria: Ambry Variant Classification Scheme 2023. Collection method: clinical testing. Allele origin: germline.

NM_018897.3(DNAH7):c.7784T>A (p.Leu2595Gln)

Genes: DNAH7 (dynein axonemal heavy chain 7; minus strand), LOC126806457 (BRD4-independent group 4 enhancer GRCh37_chr2:196722945-196724144; plus strand). Cytogenetic location: 2q32.3.
Variant type: single nucleotide variant.
Coding change: c.7784T>A on transcript NM_018897.3 (MANE Select); coding-DNA position 7784, T replaced by A.
Protein change: p.Leu2595Gln; replaces leucine 2595 with glutamine.
Molecular consequence: missense variant.
Genome position (GRCh38, 1-based): chr2:195,858,757, A>T on the plus strand (T>A on the coding strand, the complement: DNAH7 is on the minus strand). VCF-style: chr2-195858757-A-T. GRCh37 (hg19) VCF-style: chr2-196723481-A-T.
Other names: short protein forms L2595Q.
Identifiers: ClinVar variation 2347635 (VCV002347635.4), dbSNP rs189913342, ClinGen allele CA2034776.
Genomic context (GRCh38, chr2:195,858,757, plus strand): 5'-TGAGGATGTAGTGCCTCCAACTCCATCTGCATTGTGGCTACTTGAGATGAAGCAGAATCC[A>T]GTTTCTCCAAACCCACTTCATATCTCTTTTTCATTTTCATTACTTCACTGGAAGGAAATA-3'
Protein context (NP_061720.2, residues 2585-2605): KKRYEVGLEK[Leu2595Gln]DSASSQVATM